The following is an entry in ClinVar:

NM_001846.4(COL4A2):c.99+7C>G

Gene: COL4A2 (collagen type IV alpha 2 chain; plus strand). Cytogenetic location: 13q34.
Variant type: single nucleotide variant.
Coding change: c.99+7C>G on transcript NM_001846.4 (MANE Select); 7 bases into the intron after coding-DNA position 99, C replaced by G.
Molecular consequence: intron variant.
Genome position (GRCh38, 1-based): chr13:110,308,130, C>G. VCF-style: chr13-110308130-C-G. GRCh37 (hg19) VCF-style: chr13-110960477-C-G.
Other names: c.99+7C>G (NM_001846.3).
Identifiers: ClinVar variation 1585272 (VCV001585272.10), dbSNP rs1167797748, ClinGen allele CA695006401.

ClinVar aggregate classification (germline): Likely benign. Review status: criteria provided, single submitter (1 of 4 stars). 2 submissions from 2 submitters: Likely benign (1). 1 of the submissions does not count toward it. Last evaluated 2022-06-29.

Conditions:
COL4A2-related disorder. Also called: COL4A2-related disorders; COL4A2-related condition.

Allele frequency attached by ClinVar (database versions not stated): gnomAD 0.00001; TOPMed 0.00002.
gnomAD v4.1: 23 of 1,613,374 alleles (0.0014%); highest among the groups gnomAD compares: Middle Eastern, 0.016%; no homozygotes.

Submissions (2):

Labcorp Genetics (formerly Invitae), Labcorp
Classification: Likely benign. Last evaluated: 2022-06-29. Review status: criteria provided, single submitter. Criteria: Invitae Variant Classification Sherloc (09022015). Collection method: clinical testing. Allele origin: germline.

PreventionGenetics, part of Exact Sciences
Classification: Likely benign for COL4A2-related condition. Last evaluated: 2022-05-27. Review status: no assertion criteria provided. Collection method: clinical testing. Allele origin: germline. Not counted in ClinVar's aggregate classification.
Comment: This variant is classified as likely benign based on ACMG/AMP sequence variant interpretation guidelines (Richards et al. 2015 PMID: 25741868, with internal and published modifications).